The following is an entry in ClinVar:

NM_031844.3(HNRNPU):c.2260C>T (p.Pro754Ser)

Gene: HNRNPU (heterogeneous nuclear ribonucleoprotein U; minus strand). Cytogenetic location: 1q44.
Variant type: single nucleotide variant.
Coding change: c.2260C>T on transcript NM_031844.3 (MANE Select); coding-DNA position 2260, C replaced by T.
Protein change: p.Pro754Ser; replaces proline 754 with serine.
Molecular consequence: missense variant.
Genome position (GRCh38, 1-based): chr1:244,855,516, G>A on the plus strand (C>T on the coding strand, the complement: HNRNPU is on the minus strand). VCF-style: chr1-244855516-G-A. GRCh37 (hg19) VCF-style: chr1-245018818-G-A.
Other names: c.2203C>T, p.Pro735Ser (NM_004501.3); short protein forms P735S, P754S.
Identifiers: ClinVar variation 3720914 (VCV003720914.2).

ClinVar aggregate classification (germline): Uncertain significance (1 of 4 stars; one submission).

Conditions:
Developmental and epileptic encephalopathy, 54. Also called: HNRNPU-Related Neurodevelopmental Disorder; Epileptic encephalopathy, early infantile, 54. Identifiers: MedGen C4479319, MONDO:0033363, OMIM 617391.

gnomAD v4.1: 2 of 1,613,972 alleles (0.00012%); highest among the groups gnomAD compares: Non-Finnish European, 0.00017%; no homozygotes.

Submission:

Labcorp Genetics (formerly Invitae), Labcorp
Classification: Uncertain significance for Developmental and epileptic encephalopathy, 54. Last evaluated: 2024-12-28. Review status: criteria provided, single submitter. Criteria: Invitae Variant Classification Sherloc (09022015). Collection method: clinical testing. Allele origin: germline.
Comment: This sequence change replaces proline, which is neutral and non-polar, with serine, which is neutral and polar, at codon 754 of the HNRNPU protein (p.Pro754Ser). This variant is not present in population databases (gnomAD no frequency). This variant has not been reported in the literature in individuals affected with HNRNPU-related conditions. Invitae Evidence Modeling of protein sequence and biophysical properties (such as structural, functional, and spatial information, amino acid conservation, physicochemical variation, residue mobility, and thermodynamic stability) indicates that this missense variant is not expected to disrupt HNRNPU protein function with a negative predictive value of 95%. In summary, the available evidence is currently insufficient to determine the role of this variant in disease. Therefore, it has been classified as a Variant of Uncertain Significance.